The following is an entry in ClinVar:

NM_001042492.3(NF1):c.5424G>A (p.Thr1808=)

Gene: NF1 (neurofibromin 1; plus strand). Cytogenetic location: 17q11.2.
Variant type: single nucleotide variant.
Coding change: c.5424G>A on transcript NM_001042492.3 (MANE Select); coding-DNA position 5424, G replaced by A.
Protein change: p.Thr1808=; no amino-acid change (threonine 1808 retained).
Molecular consequence: synonymous variant.
Genome position (GRCh38, 1-based): chr17:31,327,654, G>A. VCF-style: chr17-31327654-G-A. GRCh37 (hg19) VCF-style: chr17-29654672-G-A.
Other names: c.5361G>A, p.Thr1787= (NM_000267.4).
Identifiers: ClinVar variation 184959 (VCV000184959.19), dbSNP rs765841113, ClinGen allele CA190585.

ClinVar aggregate classification (germline): Benign/Likely benign. Review status: criteria provided, multiple submitters, no conflicts (2 of 4 stars). 8 submissions from 8 submitters: Benign (1); Likely benign (7). Last evaluated 2026-05-20.

Conditions:
NF1-related disorder. Also called: NF1-related condition. Identifiers: MedGen CN379171.
Hereditary cancer-predisposing syndrome. Also called: Tumor predisposition; Neoplastic Syndromes, Hereditary; Hereditary Cancer Syndrome; Hereditary neoplastic syndrome. Identifiers: Orphanet 140162, MedGen C0027672, MeSH D009386, MONDO:0015356.
Neurofibromatosis, type 1 (NF1). Also called: Peripheral type neurofibromatosis; Neurofibromatosis, type I; NEUROFIBROMATOSIS, TYPE I, SOMATIC; VON RECKLINGHAUSEN DISEASE. Identifiers: Orphanet 636, MedGen C0027831, MONDO:0018975, OMIM 162200. Disease mechanism: loss of function.

Allele frequency attached by ClinVar (database versions not stated): TOPMed 0.00001; ExAC 0.00002; gnomAD exomes 0.00002; gnomAD 0.00003.
gnomAD v4.1: 30 of 1,613,984 alleles (0.0019%); highest among the groups gnomAD compares: African/African-American, 0.0027%; no homozygotes.

Submissions (8):

Myriad Genetics, Inc.
Classification: Benign for Neurofibromatosis, type 1. Last evaluated: 2026-05-20. Review status: criteria provided, single submitter. Criteria: Myriad Autosomal Dominant, Autosomal Recessive and X-Linked Classification Criteria (2023). Collection method: clinical testing. Allele origin: unknown.
Comment: This variant is considered benign. This variant is a silent/synonymous amino acid change and it is not expected to impact splicing.

CeGaT Center for Human Genetics Tuebingen
Classification: Likely benign. Last evaluated: 2026-02-01. Review status: criteria provided, single submitter. Criteria: CeGaT Center For Human Genetics Tuebingen Variant Classification Criteria Version 2. Collection method: clinical testing. Allele origin: germline. Affected: yes. Observed: 1 variant allele.
Comment: NF1: BP4, BP7

Labcorp Genetics (formerly Invitae), Labcorp
Classification: Likely benign for Neurofibromatosis, type 1. Last evaluated: 2026-01-11. Review status: criteria provided, single submitter. Criteria: Invitae Variant Classification Sherloc (09022015). Collection method: clinical testing. Allele origin: germline.

PreventionGenetics, part of Exact Sciences
Classification: Likely benign for NF1-related condition. Last evaluated: 2025-01-31. Review status: criteria provided, single submitter. Criteria: ACMG Guidelines, 2015. Collection method: clinical testing. Allele origin: germline.
Comment: This variant is classified as likely benign based on ACMG/AMP sequence variant interpretation guidelines (Richards et al. 2015 PMID: 25741868, with internal and published modifications).

Genome-Nilou Lab
Classification: Likely benign for Neurofibromatosis, type 1. Last evaluated: 2022-03-15. Review status: criteria provided, single submitter. Criteria: ACMG Guidelines, 2015. Collection method: clinical testing. Allele origin: germline. Affected: no.

Sema4
Classification: Likely benign for Hereditary cancer-predisposing syndrome. Last evaluated: 2022-03-14. Review status: criteria provided, single submitter. Criteria: Sema4 Curation Guidelines. Collection method: curation. Allele origin: germline.

GeneDx
Classification: Likely benign. Last evaluated: 2017-03-23. Review status: criteria provided, single submitter. Criteria: GeneDx Variant Classification (06012015). Collection method: clinical testing. Allele origin: germline. Affected: yes.
Comment: This variant is considered likely benign or benign based on one or more of the following criteria: it is a conservative change, it occurs at a poorly conserved position in the protein, it is predicted to be benign by multiple in silico algorithms, and/or has population frequency not consistent with disease.

Ambry Genetics
Classification: Likely benign for Hereditary cancer-predisposing syndrome. Last evaluated: 2014-10-25. Review status: criteria provided, single submitter. Criteria: Ambry Autosomal Dominant and X-Linked criteria (10/2015). Collection method: clinical testing. Allele origin: germline. Observed: 1 variant allele.